The following is an entry in ClinVar:

NM_006182.4(DDR2):c.892A>G (p.Ile298Val)

Gene: DDR2 (discoidin domain receptor tyrosine kinase 2; plus strand). Cytogenetic location: 1q23.3.
Variant type: single nucleotide variant.
Coding change: c.892A>G on transcript NM_006182.4 (MANE Select); coding-DNA position 892, A replaced by G.
Protein change: p.Ile298Val; replaces isoleucine 298 with valine.
Molecular consequence: missense variant.
Genome position (GRCh38, 1-based): chr1:162,761,247, A>G. VCF-style: chr1-162761247-A-G. GRCh37 (hg19) VCF-style: chr1-162731037-A-G.
Other names: c.892A>G, p.Ile298Val (NM_001014796.3, NM_001354982.2, NM_001354983.2); short protein forms I298V.
Identifiers: ClinVar variation 3632626 (VCV003632626.2).
Genomic context (GRCh38, chr1:162,761,247, plus strand): 5'-CTCACATGCCTCTTTCTCTACCAGGTCCACTGCAACAACATGTTTGCTAAAGGTGTGAAG[A>G]TCTTTAAGGAGGTACAGTGCTACTTCCGCTCTGAAGCCAGTGAGTGGGAACCTAATGCCA-3'
Protein context (NP_006173.2, residues 288-308): CNNMFAKGVK[Ile298Val]FKEVQCYFRS

ClinVar aggregate classification (germline): Uncertain significance (1 of 4 stars; one submission).

Submission:

Labcorp Genetics (formerly Invitae), Labcorp
Classification: Uncertain significance. Last evaluated: 2024-06-26. Review status: criteria provided, single submitter. Criteria: Invitae Variant Classification Sherloc (09022015). Collection method: clinical testing. Allele origin: germline.
Comment: This sequence change replaces isoleucine, which is neutral and non-polar, with valine, which is neutral and non-polar, at codon 298 of the DDR2 protein (p.Ile298Val). This variant is not present in population databases (gnomAD no frequency). This variant has not been reported in the literature in individuals affected with DDR2-related conditions. An algorithm developed to predict the effect of missense changes on protein structure and function (PolyPhen-2) suggests that this variant is likely to be tolerated. In summary, the available evidence is currently insufficient to determine the role of this variant in disease. Therefore, it has been classified as a Variant of Uncertain Significance.